The following is an entry in ClinVar:

ClinVar aggregate classification (germline): Benign (0 of 4 stars; one submission).

Conditions:
BRD2-related disorder. Also called: BRD2-related condition.

Allele frequency attached by ClinVar (database versions not stated): 1000 Genomes Project 30x 0.26280; 1000 Genomes Project 0.26418; TOPMed 0.29262; ESP Exome Variant Server 0.31472; gnomAD 0.31949; ExAC 0.34519; gnomAD exomes 0.35420.

Submission:

PreventionGenetics, part of Exact Sciences
Classification: Benign for BRD2-related condition. Last evaluated: 2019-10-17. Review status: no assertion criteria provided. Collection method: clinical testing. Allele origin: germline.
Comment: This variant is classified as benign based on ACMG/AMP sequence variant interpretation guidelines (Richards et al. 2015 PMID: 25741868, with internal and published modifications).

NM_005104.4(BRD2):c.1809T>C (p.Ser603=)

Gene: BRD2 (bromodomain containing 2; plus strand). Cytogenetic location: 6p21.32.
Variant type: single nucleotide variant.
Coding change: c.1809T>C on transcript NM_005104.4 (MANE Select); coding-DNA position 1809, T replaced by C.
Protein change: p.Ser603=; no amino-acid change (serine 603 retained).
Molecular consequence: synonymous variant.
Genome position (GRCh38, 1-based): chr6:32,978,356, T>C. VCF-style: chr6-32978356-T-C. GRCh37 (hg19) VCF-style: chr6-32946133-T-C.
Other names: c.1809T>C, p.Ser603= (NM_001113182.3, NM_001199455.1); c.1668T>C, p.Ser556= (NM_001199456.2); c.1449T>C, p.Ser483= (NM_001291986.2).
Identifiers: ClinVar variation 3059565 (VCV003059565.2), dbSNP rs206781, ClinGen allele CA3748679.